The following continues an entry in ClinVar:

NM_007294.4(BRCA1):c.4883T>C (p.Met1628Thr)

Gene: BRCA1. ClinVar aggregate classification (germline): Benign. Benign (1).

Submissions 20 to 34 of 34:

Laboratory for Molecular Medicine, Mass General Brigham Personalized Medicine
Classification: Likely benign. Last evaluated: 2016-03-29. Review status: criteria provided, single submitter. Criteria: LMM Criteria. Collection method: clinical testing. Allele origin: germline. Not counted in ClinVar's aggregate classification.
Comment: Variant identified in a genome or exome case(s) and assessed due to predicted null impact of the variant or pathogenic assertions in the literature or databases. Disclaimer: This variant has not undergone full assessment. The following are preliminary notes: ExAC: 0.8% (51/6614) Finnish; ClinVar: 6 B/LB

Clinical Genetics DNA and cytogenetics Diagnostics Lab, Erasmus MC, Erasmus Medical Center
Classification: Benign for Breast-ovarian cancer, familial, susceptibility to, 1. Last evaluated: 2015-09-21. Review status: criteria provided, single submitter. Criteria: ACGS Guidelines, 2013. Collection method: clinical testing. Allele origin: germline. Affected: yes. Study: VKGL Data-share Consensus. Not counted in ClinVar's aggregate classification.

Color Diagnostics, LLC DBA Color Health
Classification: Benign for Hereditary cancer-predisposing syndrome. Last evaluated: 2014-12-30. Review status: criteria provided, single submitter. Criteria: ACMG Guidelines, 2015. Collection method: clinical testing. Allele origin: germline. Not counted in ClinVar's aggregate classification.

Ambry Genetics
Classification: Benign for Hereditary cancer-predisposing syndrome. Last evaluated: 2014-11-18. Review status: criteria provided, single submitter. Criteria: Ambry Variant Classification Scheme 2023. Collection method: clinical testing. Allele origin: germline. Not counted in ClinVar's aggregate classification.

BRCAlab, Lund University
Classification: Benign for Breast-ovarian cancer, familial, susceptibility to, 1. Last evaluated: 2020-03-02. Review status: no assertion criteria provided. Collection method: clinical testing. Allele origin: germline. Affected: yes. Not counted in ClinVar's aggregate classification.

PreventionGenetics, part of Exact Sciences
Classification: Benign for BRCA1-related condition. Last evaluated: 2019-06-10. Review status: no assertion criteria provided. Collection method: clinical testing. Allele origin: germline. Not counted in ClinVar's aggregate classification.
Comment: This variant is classified as benign based on ACMG/AMP sequence variant interpretation guidelines (Richards et al. 2015 PMID: 25741868, with internal and published modifications).

True Health Diagnostics
Classification: Likely benign for Hereditary cancer-predisposing syndrome. Last evaluated: 2017-12-01. Review status: no assertion criteria provided. Collection method: clinical testing. Allele origin: germline. Not counted in ClinVar's aggregate classification.

CSER _CC_NCGL, University of Washington
Classification: Likely benign for Breast cancer. Last evaluated: 2014-06-01. Review status: no assertion criteria provided. Collection method: research. Allele origin: germline. Inheritance: Autosomal dominant inheritance. Study: ESP 6500 variant annotation. Not counted in ClinVar's aggregate classification.
Comment: Variants classified for the Actionable exomic incidental findings in 6503 participants: challenges of variant classification manuscript

Counsyl
Classification: Likely benign for Breast-ovarian cancer, familial 1. Last evaluated: 2014-03-07. Review status: no assertion criteria provided. Collection method: literature only. Allele origin: unknown. Inheritance: Autosomal dominant inheritance. Not counted in ClinVar's aggregate classification.

ITMI
No classification provided. Condition: AllHighlyPenetrant. Last evaluated: 2013-09-19. Review status: no classification provided. Collection method: reference population. Allele origin: germline. Not counted in ClinVar's aggregate classification.
Comment: Please see associated publication for description of ethnicities

Biesecker Lab/Clinical Genomics Section, National Institutes of Health
Classification: Likely benign. Last evaluated: 2012-07-13. Review status: no assertion criteria provided. Collection method: research. Allele origin: germline. Affected: no. Observed: 1 variant allele. Study: ClinSeq. Not counted in ClinVar's aggregate classification.
ClinVar note: Converted during submission from probably not pathogenic to Likely benign.

Breast Cancer Information Core (BIC) (BRCA1)
Classification: Uncertain significance for Breast-ovarian cancer, familial 1. Last evaluated: 2002-05-29. Review status: no assertion criteria provided. Collection method: clinical testing. Allele origin: germline, unknown. Affected: yes. Observed: 489 variant alleles. Not counted in ClinVar's aggregate classification.

Clinical Genetics Laboratory, Department of Pathology, Netherlands Cancer Institute
Classification: Benign. Review status: no assertion criteria provided. Collection method: clinical testing. Allele origin: germline. Affected: yes. Study: VKGL Data-share Consensus. Not counted in ClinVar's aggregate classification.

Department of Pathology and Laboratory Medicine, Sinai Health System
Classification: Benign for Malignant tumor of breast. Review status: no assertion criteria provided. Collection method: clinical testing. Allele origin: unknown. Affected: yes. Observed: 2 variant alleles. Study: The Canadian Open Genetics Repository (COGR). Not counted in ClinVar's aggregate classification.
Comment: The BRCA1 p.Met1628Thr variant was identified in at least 105 of 111464 proband chromosomes (frequency: 0.001) from individuals or families with breast or ovarian cancer, and was present in 55 of 1140 control chromosomes (frequency: 0.048) (Inoue 1995, Judkins 2005, Ostrow 2004, Phelan 2004, Tavtigian 2006, Tamboom 2010). The variant was listed in dbSNP (ID: rs4986854) â€šÃ„ÃºWith untested alleleâ€šÃ„Ã¹, with a minor allele frequency of 0.004 (1000 Genomes Project); in HapMap-JPT cohort with a frequency of 0.041, and the PAC1 cohort with a frequency of 0.21; and Inoue (1995) found the variant allele at a frequency of 0.39 in a Japanese group of healthy control individuals. The identification of the variant in these population cohorts increases the likelihood that this is a low frequency benign variant in certain populations of origin. The variant was also identified in HGMD, LOVD, the BIC database (96X with unknown clinical importance), and UMD (4X as a neutral variant). In UMD the variant was identified with a co-occurring pathogenic BRCA2 variant (c.4576dup (p.Thr1526AsnfsX3)), and Judkins (2005) observed the variant in trans with three different pathogenic BRCA1 mutations, increasing the likelihood that the p.Met1628Thr variant does not have clinical significance. In addition, a study by Phelan (2004) found that the variant did not segregate with disease in one family, and two functional studies showed no showed no effect of the variant on transcriptional activation (Phelan 2004, Ostrow 2004). Furthermore, Myriad classifies this variant as a polymorphism (personal communication). In summary, based on the above information, this variant meets our laboratory's criteria to be classified as benign.

Joint Genome Diagnostic Labs from Nijmegen and Maastricht, Radboudumc and MUMC+
Classification: Benign. Review status: no assertion criteria provided. Collection method: clinical testing. Allele origin: germline. Affected: yes. Study: VKGL Data-share Consensus. Not counted in ClinVar's aggregate classification.

Literature cited by the submitters: PubMed 21990134 (cited by Evidence-based Network for the Interpretation of Germline Mutant Alleles (ENIGMA) and Counsyl); PubMed 15350310 (cited by 3 submitters); PubMed 9544766 (cited by Illumina Laboratory Services, Illumina); PubMed 7627958 (cited by Department of Pathology and Laboratory Medicine, Sinai Health System); PubMed 16267036 (cited by Department of Pathology and Laboratory Medicine, Sinai Health System and Counsyl); PubMed 15689452 (cited by Department of Pathology and Laboratory Medicine, Sinai Health System); PubMed 16014699 (cited by Department of Pathology and Laboratory Medicine, Sinai Health System and Counsyl); PubMed 23867111 (cited by Counsyl); PubMed 21356067 (cited by Counsyl); PubMed 21520273 (cited by Counsyl); PubMed 24728327 (cited by ITMI).